The following is an entry in ClinVar:

NM_032119.4(ADGRV1):c.4681G>A (p.Ala1561Thr)

Gene: ADGRV1 (adhesion G protein-coupled receptor V1; plus strand). Cytogenetic location: 5q14.3.
Variant type: single nucleotide variant.
Coding change: c.4681G>A on transcript NM_032119.4 (MANE Select); coding-DNA position 4681, G replaced by A.
Protein change: p.Ala1561Thr; replaces alanine 1561 with threonine.
Molecular consequence: missense variant. On other transcripts: non-coding transcript variant (1).
Genome position (GRCh38, 1-based): chr5:90,658,207, G>A. VCF-style: chr5-90658207-G-A. GRCh37 (hg19) VCF-style: chr5-89954024-G-A.
Other names: c.4681G>A (NM_032119.3); short protein forms A1561T.
Identifiers: ClinVar variation 1050982 (VCV001050982.12), dbSNP rs376316770, ClinGen allele CA3339385.

ClinVar aggregate classification (germline): Conflicting classifications of pathogenicity. Review status: criteria provided, conflicting classifications (1 of 4 stars). 3 submissions from 3 submitters: Uncertain significance (2); Likely benign (1). Last evaluated 2025-04-26.

Allele frequency attached by ClinVar (database versions not stated): gnomAD 0.00008 and 0.00009; TOPMed 0.00008; gnomAD exomes below 0.00001 and 0.00003; ESP Exome Variant Server 0.00008; ExAC 0.00001.
gnomAD v4.1: 19 of 1,569,202 alleles (0.0012%); highest among the groups gnomAD compares: African/African-American, 0.022%; no homozygotes.

Submissions (3):

Labcorp Genetics (formerly Invitae), Labcorp
Classification: Likely benign. Last evaluated: 2025-04-26. Review status: criteria provided, single submitter. Criteria: Invitae Variant Classification Sherloc (09022015). Collection method: clinical testing. Allele origin: germline.

Blueprint Genetics
Classification: Uncertain significance. Last evaluated: 2023-09-01. Review status: criteria provided, single submitter. Criteria: ACMG Guidelines, 2015. Collection method: clinical testing. Allele origin: germline.

GeneDx
Classification: Uncertain significance. Last evaluated: 2023-03-17. Review status: criteria provided, single submitter. Criteria: GeneDx Variant Classification Process June 2021. Collection method: clinical testing. Allele origin: germline. Affected: yes.
Comment: In silico analysis supports that this missense variant does not alter protein structure/function; Has not been previously published as pathogenic or benign to our knowledge